The following is an entry in ClinVar:

ClinVar aggregate classification (germline): Uncertain significance (1 of 4 stars; one submission).

Submission:

Labcorp Genetics (formerly Invitae), Labcorp
Classification: Uncertain significance. Last evaluated: 2019-05-23. Review status: criteria provided, single submitter. Criteria: Invitae Variant Classification Sherloc (09022015). Collection method: clinical testing. Allele origin: germline.
Comment: This variant is not present in population databases (ExAC no frequency). This sequence change replaces alanine with valine at codon 478 of the RETREG1 protein (p.Ala478Val). The alanine residue is highly conserved and there is a small physicochemical difference between alanine and valine. In summary, the available evidence is currently insufficient to determine the role of this variant in disease. Therefore, it has been classified as a Variant of Uncertain Significance. Algorithms developed to predict the effect of missense changes on protein structure and function (SIFT, PolyPhen-2, Align-GVGD) all suggest that this variant is likely to be tolerated, but these predictions have not been confirmed by published functional studies and their clinical significance is uncertain. This variant has not been reported in the literature in individuals with RETREG1-related conditions.

NM_001034850.3(RETREG1):c.1433C>T (p.Ala478Val)

Gene: RETREG1 (reticulophagy regulator 1; minus strand). Cytogenetic location: 5p15.1.
Variant type: single nucleotide variant.
Coding change: c.1433C>T on transcript NM_001034850.3 (MANE Select); coding-DNA position 1433, C replaced by T.
Protein change: p.Ala478Val; replaces alanine 478 with valine.
Molecular consequence: missense variant.
Genome position (GRCh38, 1-based): chr5:16,474,802, G>A on the plus strand (C>T on the coding strand, the complement: RETREG1 is on the minus strand). VCF-style: chr5-16474802-G-A. GRCh37 (hg19) VCF-style: chr5-16474911-G-A.
Other names: c.1010C>T, p.Ala337Val (NM_019000.5); short protein forms A478V, A337V.
Identifiers: ClinVar variation 952300 (VCV000952300.9), dbSNP rs1738452474, ClinGen allele CA359255473.